The following is an entry in ClinVar:

NM_001792.5(CDH2):c.1789G>C (p.Asp597His)

Gene: CDH2 (cadherin 2; minus strand). Cytogenetic location: 18q12.1.
Variant type: single nucleotide variant.
Coding change: c.1789G>C on transcript NM_001792.5 (MANE Select); coding-DNA position 1789, G replaced by C.
Protein change: p.Asp597His; replaces aspartic acid 597 with histidine.
Molecular consequence: missense variant.
Genome position (GRCh38, 1-based): chr18:27,985,714, C>G on the plus strand (G>C on the coding strand, the complement: CDH2 is on the minus strand). VCF-style: chr18-27985714-C-G. GRCh37 (hg19) VCF-style: chr18-25565678-C-G.
Other names: c.1696G>C, p.Asp566His (NM_001308176.2); short protein forms D566H, D597H.
Identifiers: ClinVar variation 4997850 (VCV004997850.2).

ClinVar aggregate classification (germline): Likely pathogenic. Review status: criteria provided, multiple submitters, no conflicts (2 of 4 stars). 2 submissions from 2 submitters: Likely pathogenic (2). Last evaluated 2025-07-24.

Conditions:
Agenesis of corpus callosum, cardiac, ocular, and genital syndrome. Identifiers: MedGen C5394523, MONDO:0030065, OMIM 618929.
CDH2-related disorder. Also called: CDH2-related condition.

Submissions (2):

PreventionGenetics, part of Exact Sciences
Classification: Likely pathogenic for CDH2-related condition. Last evaluated: 2025-07-24. Review status: criteria provided, single submitter. Criteria: ACMG Guidelines, 2015. Collection method: clinical testing. Allele origin: germline.
Comment: The CDH2 c.1789G>C variant is predicted to result in the amino acid substitution p.Asp597His. To our knowledge, this variant has not been reported in the literature or in a large population database (gnomAD), indicating this variant is rare. Alternate nucleotide changes at the same amino acid position (p.Asp597Asn and p.Asp597Tyr) have been reported in individuals with syndromic neurodevelopmental disorder with corpus callosum, axon, cardiac, ocular, and genital Defects (Accogli et al. 2019. PubMed ID: 31585109). This variant is interpreted as likely pathogenic.

Laboratorio de Genética, Hospital Universitario Reina Sofía
Classification: Likely pathogenic for Agenesis of corpus callosum, cardiac, ocular, and genital syndrome. Last evaluated: 2025-01-10. Review status: criteria provided, single submitter. Criteria: ACMG Guidelines, 2015. Collection method: clinical testing. Allele origin: de novo. Inheritance: Autosomal dominant inheritance. Affected: yes. Observed: 1 variant allele, 1 heterozygote.
Comment: This variant is classified as Likely Pathogenic as it meets the following ACMG/AMP criteria: PS2, since NM_001792.5(CDH2):c.1789G>C was identified in the proband and is absent in both parents on segregation testing, supporting a confirmed de novo event (with the standard caveat that low-level parental germline mosaicism cannot be fully excluded); PM2 (Moderate), as it is absent or extremely rare in population databases; PM1 (Supporting), because it localizes to a critical/functional extracellular cadherin domain region in CDH2 where pathogenic missense variants cluster; PM5 (Supporting), because alternative missense changes at the same residue have been reported as pathogenic in CDH2 (codon-level constraint); and PP3 (Supporting), as multiple computational tools support a deleterious effect; importantly, de novo missense variants affecting CDH2 around this region (including substitutions at c.1789) have been shown to impair N-cadherin–mediated cell–cell adhesion in human cell models, providing strong biological plausibility for pathogenicity in CDH2-related disease.